The following is an entry in ClinVar:

ClinVar aggregate classification (germline): Uncertain significance (1 of 4 stars; one submission).

Conditions:
Pitt-Hopkins-like syndrome 2 (PTHSL2). Identifiers: Orphanet 221150, Orphanet 600663, MedGen C3280479, MONDO:0013690, OMIM 614325.

Submission:

Labcorp Genetics (formerly Invitae), Labcorp
Classification: Uncertain significance for Pitt-Hopkins-like syndrome 2. Last evaluated: 2025-03-04. Review status: criteria provided, single submitter. Criteria: Invitae Variant Classification Sherloc (09022015). Collection method: clinical testing. Allele origin: germline.
Comment: This sequence change replaces glutamic acid, which is acidic and polar, with glutamine, which is neutral and polar, at codon 932 of the NRXN1 protein (p.Glu932Gln). This variant is not present in population databases (gnomAD no frequency). This variant has not been reported in the literature in individuals affected with NRXN1-related conditions. An algorithm developed to predict the effect of missense changes on protein structure and function (PolyPhen-2) suggests that this variant is likely to be tolerated. In summary, the available evidence is currently insufficient to determine the role of this variant in disease. Therefore, it has been classified as a Variant of Uncertain Significance.

NM_001330078.2(NRXN1):c.2674G>C (p.Glu892Gln)

Gene: NRXN1 (neurexin 1; minus strand). Cytogenetic location: 2p16.3.
Variant type: single nucleotide variant.
Coding change: c.2674G>C on transcript NM_001330078.2 (MANE Select); coding-DNA position 2674, G replaced by C.
Protein change: p.Glu892Gln; replaces glutamic acid 892 with glutamine.
Molecular consequence: missense variant.
Genome position (GRCh38, 1-based): chr2:50,497,538, C>G on the plus strand (G>C on the coding strand, the complement: NRXN1 is on the minus strand). VCF-style: chr2-50497538-C-G. GRCh37 (hg19) VCF-style: chr2-50724676-C-G.
Other names: c.2671G>C, p.Glu891Gln (NM_001330093.2); c.2662G>C, p.Glu888Gln (NM_001330094.2); c.2623G>C, p.Glu875Gln (NM_001330095.2); c.2563G>C, p.Glu855Gln (NM_001330096.2, NM_001330087.2); c.2674G>C, p.Glu892Gln (NM_004801.6, NM_001330086.2); c.2794G>C, p.Glu932Gln (NM_001135659.3); c.2650G>C, p.Glu884Gln (NM_001330077.2, NM_001330082.2); c.2608G>C, p.Glu870Gln (NM_001330083.2, NM_001330084.2); and 2 more; short protein forms E870Q, E888Q, E891Q, E855Q, E865Q, E875Q, E883Q, E884Q.
Identifiers: ClinVar variation 4711750 (VCV004711750.1).